The following is an entry in ClinVar:

ClinVar aggregate classification (germline): Uncertain significance (1 of 4 stars; one submission).

gnomAD v4.1: 6 of 1,612,572 alleles (0.00037%); highest among the groups gnomAD compares: African/African-American, 0.008%; no homozygotes.

Submission:

Labcorp Genetics (formerly Invitae), Labcorp
Classification: Uncertain significance. Last evaluated: 2025-08-31. Review status: criteria provided, single submitter. Criteria: Invitae Variant Classification Sherloc (09022015). Collection method: clinical testing. Allele origin: germline.
Comment: This sequence change affects codon 274 of the OSBPL2 mRNA. It is a 'silent' change, meaning that it does not change the encoded amino acid sequence of the OSBPL2 protein. The frequency data for this variant in the population databases is considered unreliable, as metrics indicate poor data quality at this position in the gnomAD database. This variant has not been reported in the literature in individuals affected with OSBPL2-related conditions. ClinVar contains an entry for this variant (Variation ID: 3606760). Algorithms developed to predict the effect of sequence changes on RNA splicing suggest that this variant may disrupt the consensus splice site. In summary, the available evidence is currently insufficient to determine the role of this variant in disease. Therefore, it has been classified as a Variant of Uncertain Significance.

NM_144498.4(OSBPL2):c.822A>T (p.Gly274=)

Gene: OSBPL2 (oxysterol binding protein like 2; plus strand). Cytogenetic location: 20q13.33.
Variant type: single nucleotide variant.
Coding change: c.822A>T on transcript NM_144498.4 (MANE Select); coding-DNA position 822, A replaced by T.
Protein change: p.Gly274=; no amino-acid change (glycine 274 retained).
Molecular consequence: synonymous variant.
Genome position (GRCh38, 1-based): chr20:62,281,829, A>T. VCF-style: chr20-62281829-A-T. GRCh37 (hg19) VCF-style: chr20-60856885-A-T.
Other names: c.546A>T, p.Gly182= (NM_001278649.3, NM_001363878.2); c.786A>T, p.Gly262= (NM_014835.5).
Identifiers: ClinVar variation 3606760 (VCV003606760.2).